The following is an entry in ClinVar:

ClinVar aggregate classification (germline): Uncertain significance (1 of 4 stars; one submission).

Conditions:
Developmental and epileptic encephalopathy, 33 (DEE33). Also called: Epileptic encephalopathy, early infantile, 33. Identifiers: Orphanet 442835, MedGen C4225337, MONDO:0014625, OMIM 616409.

Submission:

Labcorp Genetics (formerly Invitae), Labcorp
Classification: Uncertain significance for Developmental and epileptic encephalopathy, 33. Last evaluated: 2021-05-31. Review status: criteria provided, single submitter. Criteria: Invitae Variant Classification Sherloc (09022015). Collection method: clinical testing. Allele origin: germline.
Comment: In summary, the available evidence is currently insufficient to determine the role of this variant in disease. Therefore, it has been classified as a Variant of Uncertain Significance. Algorithms developed to predict the effect of missense changes on protein structure and function are either unavailable or do not agree on the potential impact of this missense change (SIFT: "Deleterious"; PolyPhen-2: "Benign"; Align-GVGD: "Class C0"). This variant has not been reported in the literature in individuals with EEF1A2-related conditions. This variant is not present in population databases (ExAC no frequency). This sequence change replaces arginine with histidine at codon 240 of the EEF1A2 protein (p.Arg240His). The arginine residue is highly conserved and there is a small physicochemical difference between arginine and histidine.

NM_001958.5(EEF1A2):c.719G>A (p.Arg240His)

Gene: EEF1A2 (eukaryotic translation elongation factor 1 alpha 2; minus strand). Cytogenetic location: 20q13.33.
Variant type: single nucleotide variant.
Coding change: c.719G>A on transcript NM_001958.5 (MANE Select); coding-DNA position 719, G replaced by A.
Protein change: p.Arg240His; replaces arginine 240 with histidine.
Molecular consequence: missense variant.
Genome position (GRCh38, 1-based): chr20:63,493,190, C>T on the plus strand (G>A on the coding strand, the complement: EEF1A2 is on the minus strand). VCF-style: chr20-63493190-C-T. GRCh37 (hg19) VCF-style: chr20-62124543-C-T.
Other names: short protein forms R240H.
Identifiers: ClinVar variation 935600 (VCV000935600.10), dbSNP rs2082399018, ClinGen allele CA409648700.